The following is an entry in ClinVar:

NM_000969.5(RPL5):c.335_338del (p.Arg112fs)

Genes: DIPK1A (divergent protein kinase domain 1A; minus strand), RPL5 (ribosomal protein L5; plus strand). Cytogenetic location: 1p22.1.
Variant type: Deletion.
Coding change: c.335_338del on transcript NM_000969.5 (MANE Select); coding-DNA positions 335 to 338, 4 bases deleted (GGTT; older notation c.335_338delGGTT).
Protein change: p.Arg112fs; shifts the reading frame from arginine 112.
Molecular consequence: frameshift variant. On other transcripts: intron variant (1).
Genome position (GRCh38, 1-based): chr1:92,836,200-92,836,203, GGTT deleted. VCF-style (leftmost placement, unchanged base first): chr1-92836199-AGGTT-A. GRCh37 (hg19) VCF-style: chr1-93301756-AGGTT-A.
Other names: c.475-3169_475-3166del (NM_001252273.2); short protein forms R112fs.
Identifiers: ClinVar variation 419160 (VCV000419160.4), dbSNP rs1064793686, ClinGen allele CA16617198.
Genomic context (GRCh38, chr1:92,836,199, plus strand): 5'-TAGAGCAGTTTGAATAATTGAAACCAGCATTTACATTGGTTTCTTGAATAGCTTCTCAAT[AGGTT>A]TGGCATGGACAAGATCTATGAAGGCCAAGTGGAGGTGACTGGTGATGAATACAATGTGGA-3'

ClinVar aggregate classification (germline): Pathogenic (1 of 4 stars; one submission).

Submission:

GeneDx
Classification: Pathogenic. Last evaluated: 2015-05-28. Review status: criteria provided, single submitter. Criteria: GeneDx Variant Classification (06012015). Collection method: clinical testing. Allele origin: germline. Affected: yes.
Comment: The c.335_338delGGTT deletion in the RPL5 gene causes a frameshift starting with codon Arginine 112,changes this amino acid to a Methionine residue and creates a premature Stop codon at position 13 of the newreading frame, denoted p.R112MfsX13. This variant is predicted to cause loss of normal protein functioneither through protein truncation or nonsense-mediated mRNA decay. Although this variant has not beenpreviously reported to our knowledge, we consider it to be pathogenic.